The following is an entry in ClinVar:

ClinVar aggregate classification (germline): Uncertain significance (1 of 4 stars; one submission).

Allele frequency attached by ClinVar (database versions not stated): gnomAD exomes below 0.00001; gnomAD 0.00001.
gnomAD v4.1: 2 of 1,613,396 alleles (0.00012%); highest among the groups gnomAD compares: African/African-American, 0.0013%; no homozygotes.

Submission:

Ambry Genetics
Classification: Uncertain significance. Last evaluated: 2023-09-14. Review status: criteria provided, single submitter. Criteria: Ambry Variant Classification Scheme 2023. Collection method: clinical testing. Allele origin: germline.
Comment: The p.T443N variant (also known as c.1328C>A), located in coding exon 9 of the POLQ gene, results from a C to A substitution at nucleotide position 1328. The threonine at codon 443 is replaced by asparagine, an amino acid with similar properties. This amino acid position is conserved. In addition, the in silico prediction for this alteration is inconclusive. Since supporting evidence is limited at this time, the clinical significance of this alteration remains unclear.

NM_199420.4(POLQ):c.1328C>A (p.Thr443Asn)

Gene: POLQ (DNA polymerase theta; minus strand). Cytogenetic location: 3q13.33.
Variant type: single nucleotide variant.
Coding change: c.1328C>A on transcript NM_199420.4 (MANE Select); coding-DNA position 1328, C replaced by A.
Protein change: p.Thr443Asn; replaces threonine 443 with asparagine.
Molecular consequence: missense variant.
Genome position (GRCh38, 1-based): chr3:121,520,011, G>T on the plus strand (C>A on the coding strand, the complement: POLQ is on the minus strand). VCF-style: chr3-121520011-G-T. GRCh37 (hg19) VCF-style: chr3-121238858-G-T.
Other names: short protein forms T443N.
Identifiers: ClinVar variation 2625882 (VCV002625882.2), dbSNP rs1311840422, ClinGen allele CA354119660.